The following is an entry in ClinVar:

ClinVar aggregate classification (germline): Benign. Review status: criteria provided, multiple submitters, no conflicts (2 of 4 stars). 4 submissions from 4 submitters: Benign (3). 1 of the submissions does not count toward it. Last evaluated 2026-02-01.

Conditions:
DCHS1-related disorder. Also called: DCHS1-related condition.

Allele frequency attached by ClinVar (database versions not stated): ExAC 0.00483; gnomAD 0.01474 and 0.01574; 1000 Genomes Project 0.01597; TOPMed 0.01726; 1000 Genomes Project 30x 0.01780; ESP Exome Variant Server 0.01801.
gnomAD v4.1: 4,523 of 1,613,046 alleles (0.28%); highest among the groups gnomAD compares: African/African-American, 5.1%; 109 homozygotes.

Submissions (4):

Labcorp Genetics (formerly Invitae), Labcorp
Classification: Benign. Last evaluated: 2026-02-01. Review status: criteria provided, single submitter. Criteria: Invitae Variant Classification Sherloc (09022015). Collection method: clinical testing. Allele origin: germline.

GeneDx
Classification: Benign. Last evaluated: 2018-09-18. Review status: criteria provided, single submitter. Criteria: GeneDx Variant Classification Process June 2021. Collection method: clinical testing. Allele origin: germline. Affected: yes.

Breakthrough Genomics
Classification: Benign. Review status: criteria provided, single submitter. Criteria: ACMG Guidelines, 2015. Collection method: not provided. Allele origin: germline. Inheritance: Autosomal recessive inheritance. Affected: yes.

PreventionGenetics, part of Exact Sciences
Classification: Benign for DCHS1-related condition. Last evaluated: 2020-02-04. Review status: no assertion criteria provided. Collection method: clinical testing. Allele origin: germline. Not counted in ClinVar's aggregate classification.
Comment: This variant is classified as benign based on ACMG/AMP sequence variant interpretation guidelines (Richards et al. 2015 PMID: 25741868, with internal and published modifications).

NM_003737.4(DCHS1):c.7839G>A (p.Glu2613=)

Gene: DCHS1 (dachsous cadherin-related 1; minus strand). Cytogenetic location: 11p15.4.
Variant type: single nucleotide variant.
Coding change: c.7839G>A on transcript NM_003737.4 (MANE Select); coding-DNA position 7839, G replaced by A.
Protein change: p.Glu2613=; no amino-acid change (glutamic acid 2613 retained).
Molecular consequence: synonymous variant.
Genome position (GRCh38, 1-based): chr11:6,623,837, C>T on the plus strand (G>A on the coding strand, the complement: DCHS1 is on the minus strand). VCF-style: chr11-6623837-C-T. GRCh37 (hg19) VCF-style: chr11-6645068-C-T.
Identifiers: ClinVar variation 773654 (VCV000773654.16), dbSNP rs2659876, ClinGen allele CA5859533.